The following is an entry in ClinVar:

NM_018206.6(VPS35):c.1327A>G (p.Asn443Asp)

Gene: VPS35 (VPS35 retromer complex component; minus strand). Cytogenetic location: 16q11.2.
Variant type: single nucleotide variant.
Coding change: c.1327A>G on transcript NM_018206.6 (MANE Select); coding-DNA position 1327, A replaced by G.
Protein change: p.Asn443Asp; replaces asparagine 443 with aspartic acid.
Molecular consequence: missense variant.
Genome position (GRCh38, 1-based): chr16:46,672,306, T>C on the plus strand (A>G on the coding strand, the complement: VPS35 is on the minus strand). VCF-style: chr16-46672306-T-C. GRCh37 (hg19) VCF-style: chr16-46706218-T-C.
Other names: short protein forms N443D.
Identifiers: ClinVar variation 2634308 (VCV002634308.2), dbSNP rs376209552, ClinGen allele CA8036850.

ClinVar aggregate classification (germline): Uncertain significance. Review status: criteria provided, multiple submitters, no conflicts (2 of 4 stars). 2 submissions from 2 submitters: Uncertain significance (2). Last evaluated 2025-08-23.

Conditions:
Parkinson disease 17 (PARK17). Also called: VPS35-Related Parkinson Disease. Identifiers: Orphanet 411602, MedGen C3280133, MONDO:0013625, OMIM 614203.
VPS35-related disorder. Also called: VPS35-related condition.

Allele frequency attached by ClinVar (database versions not stated): TOPMed 0.00001; ExAC 0.00002; gnomAD 0.00002; gnomAD exomes 0.00002; ESP Exome Variant Server 0.00008.
gnomAD v4.1: 16 of 1,613,726 alleles (0.00099%); highest among the groups gnomAD compares: Non-Finnish European, 0.0014%; no homozygotes.

Submissions (2):

Labcorp Genetics (formerly Invitae), Labcorp
Classification: Uncertain significance for Parkinson disease 17. Last evaluated: 2025-08-23. Review status: criteria provided, single submitter. Criteria: Invitae Variant Classification Sherloc (09022015). Collection method: clinical testing. Allele origin: germline.
Comment: This sequence change replaces asparagine, which is neutral and polar, with aspartic acid, which is acidic and polar, at codon 443 of the VPS35 protein (p.Asn443Asp). This variant is present in population databases (rs376209552, gnomAD 0.005%). This variant has not been reported in the literature in individuals affected with VPS35-related conditions. ClinVar contains an entry for this variant (Variation ID: 2634308). Invitae Evidence Modeling of protein sequence and biophysical properties (such as structural, functional, and spatial information, amino acid conservation, physicochemical variation, residue mobility, and thermodynamic stability) indicates that this missense variant is not expected to disrupt VPS35 protein function with a negative predictive value of 80%. In summary, the available evidence is currently insufficient to determine the role of this variant in disease. Therefore, it has been classified as a Variant of Uncertain Significance.

PreventionGenetics, part of Exact Sciences
Classification: Uncertain significance for VPS35-related condition. Last evaluated: 2023-04-13. Review status: criteria provided, single submitter. Criteria: ACMG Guidelines, 2015. Collection method: clinical testing. Allele origin: germline.
Comment: The VPS35 c.1327A>G variant is predicted to result in the amino acid substitution p.Asn443Asp. To our knowledge, this variant has not been reported in the literature. This variant is reported in 0.0039% of alleles in individuals of European (Non-Finnish) descent in gnomAD. At this time, the clinical significance of this variant is uncertain due to the absence of conclusive functional and genetic evidence.